The following is an entry in ClinVar:

ClinVar aggregate classification (germline): Uncertain significance (1 of 4 stars; one submission).

Submission:

ARUP Laboratories, Molecular Genetics and Genomics, ARUP Laboratories
Classification: Uncertain significance. Last evaluated: 2020-11-06. Review status: criteria provided, single submitter. Criteria: ARUP Molecular Germline Variant Investigation Process 2021. Collection method: clinical testing. Allele origin: germline.
Comment: The GBA c.355G>C; p.Gly119Arg variant, to our knowledge, is not reported in the medical literature or gene-specific databases. Another variant leading to the same amino acid substitution (c.355G>A; p.Gly119Arg) is reported in an individual with Parkinson disease, although its clinical significance was not demonstrated (Lesage 2011). The c.355G>C variant is absent from general population databases (Exome Variant Server, Genome Aggregation Database), indicating it is not a common polymorphism. The glycine at codon 119 is highly conserved, and computational analyses predict that this variant is deleterious (REVEL: 0.967). Additionally, another amino acid substitution at this codon (p.Gly119Ala) has been reported in an individual with Gaucher disease (Huang 2020). However, due to limited information, the clinical significance of the c.355G>C; p.Gly119Arg variant is uncertain at this time. References: Huang Y et al. High risk screening for Gaucher disease in patients with splenomegaly and/or thrombocytopenia in China: 55 cases identified. Clin Chim Acta. 2020 Jul;506:22-27. Lesage S et al. Large-scale screening of the Gaucher's disease-related glucocerebrosidase gene in Europeans with Parkinson's disease. Hum Mol Genet. 2011 Jan 1;20(1):202-10.

NM_000157.4(GBA1):c.355G>C (p.Gly119Arg)

Genes: GBA1 (glucosylceramidase beta 1; minus strand), LOC106627981 (GBA recombination region; plus strand). Cytogenetic location: 1q22.
Variant type: single nucleotide variant.
Coding change: c.355G>C on transcript NM_000157.4 (MANE Select); coding-DNA position 355, G replaced by C.
Protein change: p.Gly119Arg; replaces glycine 119 with arginine.
Molecular consequence: missense variant. On other transcripts: intron variant (1).
Genome position (GRCh38, 1-based): chr1:155,239,715, C>G on the plus strand (G>C on the coding strand, the complement: GBA1 is on the minus strand). VCF-style: chr1-155239715-C-G. GRCh37 (hg19) VCF-style: chr1-155209506-C-G.
Other names: c.355G>C, p.Gly119Arg (NM_001005741.3, NM_001005742.3); c.94G>C, p.Gly32Arg (NM_001171811.2); c.307+171G>C (NM_001171812.2); short protein forms G119R, G32R.
Identifiers: ClinVar variation 1330880 (VCV001330880.7), dbSNP rs1553218180, ClinGen allele CA342726337.